The following is an entry in ClinVar:

ClinVar aggregate classification (germline): Uncertain significance (1 of 4 stars; one submission).

Conditions:
Familial sleep-related hypermotor epilepsy. Also called: Autosomal Dominant Sleep-Related Hypermotor (Hyperkinetic) Epilepsy. Identifiers: Orphanet 98784, MedGen C3696898, MONDO:0000030.

Submission:

Labcorp Genetics (formerly Invitae), Labcorp
Classification: Uncertain significance. Last evaluated: 2024-05-02. Review status: criteria provided, single submitter. Criteria: Invitae Variant Classification Sherloc (09022015). Collection method: clinical testing. Allele origin: germline.
Comment: This sequence change replaces aspartic acid, which is acidic and polar, with glycine, which is neutral and non-polar, at codon 503 of the CHRNA4 protein (p.Asp503Gly). This variant is not present in population databases (gnomAD no frequency). This variant has not been reported in the literature in individuals affected with CHRNA4-related conditions. Algorithms developed to predict the effect of missense changes on protein structure and function output the following: SIFT: "Not Available"; PolyPhen-2: "Benign"; Align-GVGD: "Not Available". The glycine amino acid residue is found in multiple mammalian species, which suggests that this missense change does not adversely affect protein function. In summary, the available evidence is currently insufficient to determine the role of this variant in disease. Therefore, it has been classified as a Variant of Uncertain Significance.

NM_000744.7(CHRNA4):c.1508A>G (p.Asp503Gly)

Gene: CHRNA4 (cholinergic receptor nicotinic alpha 4 subunit; minus strand). Cytogenetic location: 20q13.33.
Variant type: single nucleotide variant.
Coding change: c.1508A>G on transcript NM_000744.7 (MANE Select); coding-DNA position 1508, A replaced by G.
Protein change: p.Asp503Gly; replaces aspartic acid 503 with glycine.
Molecular consequence: missense variant. On other transcripts: non-coding transcript variant (1).
Genome position (GRCh38, 1-based): chr20:63,349,903, T>C on the plus strand (A>G on the coding strand, the complement: CHRNA4 is on the minus strand). VCF-style: chr20-63349903-T-C. GRCh37 (hg19) VCF-style: chr20-61981255-T-C.
Other names: c.980A>G, p.Asp327Gly (NM_001256573.2); short protein forms D503G, D327G.
Identifiers: ClinVar variation 3706253 (VCV003706253.2).